The following is an entry in ClinVar:

ClinVar aggregate classification (germline): Uncertain significance. Review status: criteria provided, multiple submitters, no conflicts (2 of 4 stars). 2 submissions from 2 submitters: Uncertain significance (2). Last evaluated 2026-03-25.

Conditions:
Inborn genetic diseases. Identifiers: MedGen C0950123, MeSH D030342.

gnomAD v4.1: 2 of 1,613,776 alleles (0.00012%); highest among the groups gnomAD compares: Non-Finnish European, 0.00017%; no homozygotes.

Submissions (2):

Ambry Genetics
Classification: Uncertain significance for Inborn genetic diseases. Last evaluated: 2026-03-25. Review status: criteria provided, single submitter. Criteria: Ambry Variant Classification Scheme 2023. Collection method: clinical testing. Allele origin: germline.

GeneDx
Classification: Uncertain significance. Last evaluated: 2025-04-09. Review status: criteria provided, single submitter. Criteria: GeneDx Variant Classification Process June 2021. Collection method: clinical testing. Allele origin: germline. Affected: yes.
Comment: Not observed at significant frequency in large population cohorts (gnomAD); In silico analysis supports that this missense variant has a deleterious effect on protein structure/function; Has not been previously published as pathogenic or benign to our knowledge

NM_052867.4(NALCN):c.3001C>T (p.Pro1001Ser)

Gene: NALCN (sodium leak channel, non-selective; minus strand). Cytogenetic location: 13q33.1.
Variant type: single nucleotide variant.
Coding change: c.3001C>T on transcript NM_052867.4 (MANE Select); coding-DNA position 3001, C replaced by T.
Protein change: p.Pro1001Ser; replaces proline 1001 with serine.
Molecular consequence: missense variant.
Genome position (GRCh38, 1-based): chr13:101,103,228, G>A on the plus strand (C>T on the coding strand, the complement: NALCN is on the minus strand). VCF-style: chr13-101103228-G-A. GRCh37 (hg19) VCF-style: chr13-101755579-G-A.
Other names: c.3088C>T, p.Pro1030Ser (NM_001350748.2); c.3001C>T, p.Pro1001Ser (NM_001350749.2); c.2914C>T, p.Pro972Ser (NM_001350750.2, NM_001350751.2); short protein forms P1001S, P1030S, P972S.
Identifiers: ClinVar variation 4281821 (VCV004281821.2).